The following is an entry in ClinVar:

NM_001386795.1(DTNA):c.64A>T (p.Met22Leu)

Genes: DTNA (dystrobrevin alpha; plus strand), DTNA-AS1 (DTNA antisense RNA 1; minus strand). Cytogenetic location: 18q12.1.
Variant type: single nucleotide variant.
Coding change: c.64A>T on transcript NM_001386795.1 (MANE Select); coding-DNA position 64, A replaced by T.
Protein change: p.Met22Leu; replaces methionine 22 with leucine.
Molecular consequence: missense variant.
Genome position (GRCh38, 1-based): chr18:34,756,040, A>T. VCF-style: chr18-34756040-A-T. GRCh37 (hg19) VCF-style: chr18-32336004-A-T.
Other names: c.64A>T, p.Met22Leu (NM_001128175.2, NM_001198938.2, NM_001198939.2 and 35 more transcripts); short protein forms M22L.
Identifiers: ClinVar variation 3608021 (VCV003608021.2).

ClinVar aggregate classification (germline): Uncertain significance (1 of 4 stars; one submission).

Conditions:
Left ventricular noncompaction 1 (LVNC1). Also called: LEFT VENTRICULAR NONCOMPACTION 1 WITH OR WITHOUT CONGENITAL HEART DEFECTS. Identifiers: Orphanet 54260, MedGen C1858725, MONDO:0011403, OMIM 604169.

Submission:

Labcorp Genetics (formerly Invitae), Labcorp
Classification: Uncertain significance for Left ventricular noncompaction 1. Last evaluated: 2024-12-10. Review status: criteria provided, single submitter. Criteria: Invitae Variant Classification Sherloc (09022015). Collection method: clinical testing. Allele origin: germline.
Comment: This sequence change replaces methionine, which is neutral and non-polar, with leucine, which is neutral and non-polar, at codon 22 of the DTNA protein (p.Met22Leu). This variant is not present in population databases (gnomAD no frequency). This variant has not been reported in the literature in individuals affected with DTNA-related conditions. Invitae Evidence Modeling of protein sequence and biophysical properties (such as structural, functional, and spatial information, amino acid conservation, physicochemical variation, residue mobility, and thermodynamic stability) indicates that this missense variant is not expected to disrupt DTNA protein function with a negative predictive value of 80%. In summary, the available evidence is currently insufficient to determine the role of this variant in disease. Therefore, it has been classified as a Variant of Uncertain Significance.